The following is an entry in ClinVar:

NM_001710.6(CFB):c.1630_1632del (p.Glu544del)

Gene: CFB (complement factor B; plus strand). Cytogenetic location: 6p21.33.
Variant type: Deletion.
Coding change: c.1630_1632del on transcript NM_001710.6 (MANE Select); coding-DNA positions 1630 to 1632, 3 bases deleted (GAG; older notation c.1630_1632delGAG).
Protein change: p.Glu544del; deletes glutamic acid 544.
Molecular consequence: inframe deletion.
Genome position (GRCh38, 1-based): chr6:31,950,624-31,950,626, GAG deleted; deleting any 3 consecutive bases within chr6:31,950,623-31,950,626 gives the same sequence; the c. name uses the placement nearest the transcript's 3' end. VCF-style (leftmost placement, unchanged base first): chr6-31950622-GGGA-G. GRCh37 (hg19) VCF-style: chr6-31918399-GGGA-G.
Other names: short protein forms E544del.
Identifiers: ClinVar variation 2819674 (VCV002819674.3), dbSNP rs756777734, ClinGen allele CA3728418.

ClinVar aggregate classification (germline): Uncertain significance (1 of 4 stars; one submission).

Submission:

Labcorp Genetics (formerly Invitae), Labcorp
Classification: Uncertain significance. Last evaluated: 2023-10-07. Review status: criteria provided, single submitter. Criteria: Invitae Variant Classification Sherloc (09022015). Collection method: clinical testing. Allele origin: germline.
Comment: This variant, c.1630_1632del, results in the deletion of 1 amino acid(s) of the CFB protein (p.Glu544del), but otherwise preserves the integrity of the reading frame. This variant is present in population databases (rs756777734, gnomAD 0.0009%). This variant has not been reported in the literature in individuals affected with CFB-related conditions. Experimental studies and prediction algorithms are not available or were not evaluated, and the functional significance of this variant is currently unknown. In summary, the available evidence is currently insufficient to determine the role of this variant in disease. Therefore, it has been classified as a Variant of Uncertain Significance.